The following is an entry in ClinVar:

NM_002047.4(GARS1):c.929G>A (p.Arg310Gln)

Gene: GARS1 (glycyl-tRNA synthetase 1; plus strand). Cytogenetic location: 7p14.3.
Variant type: single nucleotide variant.
Coding change: c.929G>A on transcript NM_002047.4 (MANE Select); coding-DNA position 929, G replaced by A.
Protein change: p.Arg310Gln; replaces arginine 310 with glutamine.
Molecular consequence: missense variant.
Genome position (GRCh38, 1-based): chr7:30,612,143, G>A. VCF-style: chr7-30612143-G-A. GRCh37 (hg19) VCF-style: chr7-30651759-G-A.
Other names: c.767G>A, p.Arg256Gln (NM_001316772.1); short protein forms R310Q, R256Q.
Identifiers: ClinVar variation 431181 (VCV000431181.5), dbSNP rs1135401748, ClinGen allele CA367124967.

ClinVar aggregate classification (germline): Uncertain significance. Review status: criteria provided, single submitter (1 of 4 stars). 2 submissions from 2 submitters: Uncertain significance (1). 1 of the submissions does not count toward it. Last evaluated 2019-09-28.

Conditions:
GARS-associated growth retardation and developmental delay.

Allele frequency attached by ClinVar (database versions not stated): gnomAD exomes below 0.00001; TOPMed 0.00002; gnomAD 0.00001.
gnomAD v4.1: 5 of 1,613,880 alleles (0.00031%); highest among the groups gnomAD compares: Admixed American, 0.0017%; no homozygotes.

Submissions (2):

Ambry Genetics
Classification: Uncertain significance. Last evaluated: 2019-09-28. Review status: criteria provided, single submitter. Criteria: Ambry Variant Classification Scheme 2023. Collection method: clinical testing. Allele origin: germline.
Comment: The p.R310Q variant (also known as c.929G>A), located in coding exon 8 of the GARS gene, results from a G to A substitution at nucleotide position 929. The arginine at codon 310 is replaced by glutamine, an amino acid with highly similar properties. This amino acid position is highly conserved in available vertebrate species. In addition, this alteration is predicted to be deleterious by in silico analysis. Since supporting evidence is limited at this time, the clinical significance of this alteration remains unclear.

Antonellis Laboratory at Michigan, University of Michigan
Classification: Pathogenic for GARS-associated growth retardation and developmental delay. Review status: no assertion criteria provided. Collection method: clinical testing, research. Allele origin: germline, not applicable. Inheritance: Autosomal recessive inheritance. Affected: yes. Observed: 1 variant allele, 1 compound heterozygote. Study: Undiagnosed Diseases Program. Not counted in ClinVar's aggregate classification.
Comment: This variant is associated with a recessive, multi-system disorder described in PMID:28675565.

Literature cited by the submitters: PubMed 28675565 (cited by Antonellis Laboratory at Michigan, University of Michigan).